The following is an entry in ClinVar:

NM_000171.4(GLRA1):c.882G>C (p.Gln294His)

Gene: GLRA1 (glycine receptor alpha 1; minus strand). Cytogenetic location: 5q33.1.
Variant type: single nucleotide variant.
Coding change: c.882G>C on transcript NM_000171.4 (MANE Select); coding-DNA position 882, G replaced by C.
Protein change: p.Gln294His; replaces glutamine 294 with histidine.
Molecular consequence: missense variant.
Genome position (GRCh38, 1-based): chr5:151,851,420, C>G on the plus strand (G>C on the coding strand, the complement: GLRA1 is on the minus strand). VCF-style: chr5-151851420-C-G. GRCh37 (hg19) VCF-style: chr5-151230981-C-G.
Other names: Q266H; c.882G>C, p.Gln294His (NM_001146040.2); c.633G>C, p.Gln211His (NM_001292000.2); short protein forms Q294H, Q211H.
Identifiers: ClinVar variation 16064 (VCV000016064.3), dbSNP rs121918411, ClinGen allele CA341365.
Genomic context (GRCh38, chr5:151,851,420, plus strand): 5'-TGTTCTGTGCTCTTGGGCAATGGGACTTACCTTGGGCAGAGATGCTCGAGAGCCGGAGCT[C>G]TGGGTGGTCATGGTGAGCACAGTGGTGATGCCTAGGCCCACACGAGCAGGTGCAGCATCC-3'
Protein context (NP_000162.2, residues 284-304): GITTVLTMTT[Gln294His]SSGSRASLPK

ClinVar aggregate classification (germline): Pathogenic. Review status: no assertion criteria provided (0 of 4 stars). 2 submissions from 2 submitters: Pathogenic (2). Last evaluated 2012-10-04.

Conditions:
Hyperekplexia 1 (STHE). Also called: HYPEREKPLEXIA 1, AUTOSOMAL DOMINANT; HYPEREKPLEXIA 1, AUTOSOMAL RECESSIVE; STARTLE DISEASE, FAMILIAL; STIFF-BABY SYNDROME; STIFF-MAN SYNDROME, CONGENITAL; STIFF-PERSON SYNDROME, CONGENITAL. Identifiers: Orphanet 3197, MedGen C4551954, MONDO:0007868, OMIM 149400.

Submissions (2):

GeneReviews
Classification: Pathogenic for Hyperekplexia. Last evaluated: 2012-10-04. Review status: no assertion criteria provided. Collection method: curation. Allele origin: unknown.
ClinVar note: Converted during submission from pathologic to Pathogenic.

OMIM
Classification: Pathogenic for HYPEREKPLEXIA 1, AUTOSOMAL DOMINANT. Last evaluated: 1996-02-01. Review status: no assertion criteria provided. Collection method: literature only. Allele origin: germline.

Literature cited by the submitters: PubMed 8571969 (cited by OMIM).